The following is an entry in ClinVar:

ClinVar aggregate classification (germline): Uncertain significance (1 of 4 stars; one submission).

Submission:

GeneDx
Classification: Uncertain significance. Last evaluated: 2025-03-17. Review status: criteria provided, single submitter. Criteria: GeneDx Variant Classification Process June 2021. Collection method: clinical testing. Allele origin: germline. Affected: yes.
Comment: Not observed at significant frequency in large population cohorts (gnomAD); In silico analysis indicates that this missense variant does not alter protein structure/function; Has not been previously published as pathogenic or benign to our knowledge

NM_004606.5(TAF1):c.4222A>G (p.Thr1408Ala)

Gene: TAF1 (TATA-box binding protein associated factor 1; plus strand). Cytogenetic location: Xq13.1.
Variant type: single nucleotide variant.
Coding change: c.4222A>G on transcript NM_004606.5 (MANE Select); coding-DNA position 4222, A replaced by G.
Protein change: p.Thr1408Ala; replaces threonine 1408 with alanine.
Molecular consequence: missense variant. On other transcripts: non-coding transcript variant (9).
Genome position (GRCh38, 1-based): chrX:71,407,989, A>G. VCF-style: chrX-71407989-A-G. GRCh37 (hg19) VCF-style: chrX-70627839-A-G.
Other names: c.4222A>G, p.Thr1408Ala (NM_001286074.2); c.4159A>G, p.Thr1387Ala (NM_138923.4); short protein forms T1387A, T1408A.
Identifiers: ClinVar variation 2442530 (VCV002442530.3), dbSNP rs2521125619, ClinGen allele CA413536868.